The following is an entry in ClinVar:

ClinVar aggregate classification (germline): Pathogenic/Likely pathogenic. Review status: criteria provided, multiple submitters, no conflicts (2 of 4 stars). 5 submissions from 5 submitters: Pathogenic (4); Likely pathogenic (1). Last evaluated 2025-04-24.

Conditions:
LZTR1-related schwannomatosis. Also called: Schwannomatosis-2, susceptibility to; Schwannomatosis 2. Identifiers: Orphanet 93921, MedGen C3810283, MONDO:0014299, OMIM 615670.
Cardiovascular phenotype. Identifiers: MedGen CN230736.
Hereditary cancer-predisposing syndrome. Also called: Hereditary Cancer Syndrome; Tumor predisposition; Hereditary neoplastic syndrome; Neoplastic Syndromes, Hereditary. Identifiers: Orphanet 140162, MedGen C0027672, MeSH D009386, MONDO:0015356.

Submissions (5):

Ambry Genetics
Classification: Pathogenic for Cardiovascular phenotype; Hereditary cancer-predisposing syndrome. Last evaluated: 2025-04-24. Review status: criteria provided, single submitter. Criteria: Ambry Variant Classification Scheme 2023. Collection method: clinical testing. Allele origin: germline.
Comment: The c.842delC pathogenic mutation, located in coding exon 9 of the LZTR1 gene, results from a deletion of one nucleotide at nucleotide position 842, causing a translational frameshift with a predicted alternate stop codon (p.P281Rfs*70). This alteration is expected to result in loss of function by premature protein truncation or nonsense-mediated mRNA decay. Loss-of-function variants in LZTR1 are related to an increased risk for schwannomas and autosomal recessive Noonan syndrome; however, such associations with autosomal dominant Noonan syndrome have not been observed (Piotrowski A et al. Nat Genet. 2014 Feb;46:182-7; Yamamoto GL et al. J Med Genet. 2015 Jun;52:413-21; Johnston JJ et al. Genet Med. 2018 10;20:1175-1185). Based on the supporting evidence, this variant is pathogenic for an increased risk of LZTR1-related schwannomatosis (SWN) and would be expected to cause autosomal recessive Noonan syndrome when present along with a second pathogenic or likely pathogenic variant on the other allele; however, the association of this alteration with autosomal dominant Noonan syndrome is unlikely.

GeneDx
Classification: Pathogenic. Last evaluated: 2024-07-07. Review status: criteria provided, single submitter. Criteria: GeneDx Variant Classification Process June 2021. Collection method: clinical testing. Allele origin: germline. Affected: yes.
Comment: Frameshift variant predicted to result in protein truncation or nonsense mediated decay in a gene for which loss of function is a known mechanism of disease; Not observed at significant frequency in large population cohorts (gnomAD); Co-observed, phase unknown, with LZTR1 p.(Ala465Val) in a fetus with brain malformation(s) and hydrops fetalis (PMID: 34958143); This variant is associated with the following publications: (PMID: 36611340, 34958143, 25480913)

Labcorp Genetics (formerly Invitae), Labcorp
Classification: Pathogenic. Last evaluated: 2024-05-27. Review status: criteria provided, single submitter. Criteria: Invitae Variant Classification Sherloc (09022015). Collection method: clinical testing. Allele origin: germline.
Comment: This sequence change creates a premature translational stop signal (p.Pro281Argfs*70) in the LZTR1 gene. It is expected to result in an absent or disrupted protein product. Loss-of-function variants in LZTR1 are known to be pathogenic (PMID: 24362817, 25335493, 25480913, 25795793, 29469822, 30368668, 30442762, 30442766, 30481304, 30859559). This variant is not present in population databases (gnomAD no frequency). This premature translational stop signal has been observed in individual(s) with schwannomatosis (PMID: 25480913). ClinVar contains an entry for this variant (Variation ID: 623975). For these reasons, this variant has been classified as Pathogenic.

Baylor Genetics
Classification: Pathogenic for LZTR1-related schwannomatosis. Last evaluated: 2023-11-23. Review status: criteria provided, single submitter. Criteria: ACMG Guidelines, 2015. Collection method: clinical testing. Allele origin: unknown.

CeGaT Center for Human Genetics Tuebingen
Classification: Likely pathogenic. Last evaluated: 2018-04-01. Review status: criteria provided, single submitter. Criteria: CeGaT Center For Human Genetics Tuebingen Variant Classification Criteria Version 2. Collection method: clinical testing. Allele origin: germline. Affected: yes. Observed: 1 variant allele.

Literature cited by the submitters: PubMed 24362817 (cited by Labcorp Genetics (formerly Invitae), Labcorp); PubMed 25335493 (cited by Labcorp Genetics (formerly Invitae), Labcorp); PubMed 25480913 (cited by Labcorp Genetics (formerly Invitae), Labcorp); PubMed 25795793 (cited by Labcorp Genetics (formerly Invitae), Labcorp); PubMed 29469822 (cited by Labcorp Genetics (formerly Invitae), Labcorp); PubMed 30368668 (cited by Labcorp Genetics (formerly Invitae), Labcorp); PubMed 30442762 (cited by Labcorp Genetics (formerly Invitae), Labcorp); PubMed 30442766 (cited by Labcorp Genetics (formerly Invitae), Labcorp); PubMed 30481304 (cited by Labcorp Genetics (formerly Invitae), Labcorp); PubMed 30859559 (cited by Labcorp Genetics (formerly Invitae), Labcorp).

NM_006767.4(LZTR1):c.842del (p.Pro281fs)

Gene: LZTR1 (leucine zipper like post translational regulator 1; plus strand). Cytogenetic location: 22q11.21.
Variant type: Deletion.
Coding change: c.842del on transcript NM_006767.4 (MANE Select); coding-DNA position 842, one base deleted (C; older notation c.842delC).
Protein change: p.Pro281fs; shifts the reading frame from proline 281.
Molecular consequence: frameshift variant.
Genome position (GRCh38, 1-based): chr22:20,991,678, C deleted; the last of 5 consecutive C bases (chr22:20,991,674-20,991,678); deleting any one gives the same sequence. VCF-style (leftmost placement, unchanged base first): chr22-20991673-AC-A. GRCh37 (hg19) VCF-style: chr22-21345962-AC-A.
Other names: c.842del (NM_006767.3); c.842delC (NM_006767.3); short protein forms P281fs.
Identifiers: ClinVar variation 623975 (VCV000623975.46), dbSNP rs1419091884, ClinGen allele CA751580568.
Genomic context (GRCh38, chr22:20,991,673, plus strand): 5'-GTTGTGTACCCCCAGGTGGACACGCATCCCAACTGAACACCTGCTCCGGGGCTCCCCACC[AC>A]CCCCGCAGCGGCGCTACGGGCATACCATGGTGGCCTTTGACCGCCACCTCTATGTGTTTG-3'